The following is an entry in ClinVar:

NM_001352754.2(ARMC9):c.1701C>G (p.Ile567Met)

Gene: ARMC9 (armadillo repeat containing 9; plus strand). Cytogenetic location: 2q37.1.
Variant type: single nucleotide variant.
Coding change: c.1701C>G on transcript NM_001352754.2 (MANE Select); coding-DNA position 1701, C replaced by G.
Protein change: p.Ile567Met; replaces isoleucine 567 with methionine.
Molecular consequence: missense variant. On other transcripts: non-coding transcript variant (1).
Genome position (GRCh38, 1-based): chr2:231,291,427, C>G. VCF-style: chr2-231291427-C-G. GRCh37 (hg19) VCF-style: chr2-232156140-C-G.
Other names: c.1701C>G, p.Ile567Met (NM_001271466.4, NM_001291656.2, NM_001352755.2 and 3 more transcripts); c.1602C>G, p.Ile534Met (NM_001352757.2, NM_001352758.2); short protein forms I567M, I534M.
Identifiers: ClinVar variation 2166905 (VCV002166905.3), dbSNP rs937042033, ClinGen allele CA66835837.
Genomic context (GRCh38, chr2:231,291,427, plus strand): 5'-CCTACGCTGCTTCATCAAAGAAGGCAATGCTGAAATGATCCGCCAGATAGAATTCATCAT[C>G]AAGCAGCTAAATTCCGGTCAGTTTGATGCAAGAATCTTTGATCTATCTTTTGAATTATTC-3'
Protein context (NP_001339683.2, residues 557-577): AEMIRQIEFI[Ile567Met]KQLNSEELPD

ClinVar aggregate classification (germline): Uncertain significance. Review status: criteria provided, multiple submitters, no conflicts (2 of 4 stars). 2 submissions from 2 submitters: Uncertain significance (2). Last evaluated 2025-04-17.

Allele frequency attached by ClinVar (database versions not stated): gnomAD 0.00001; gnomAD exomes 0.00001; TOPMed 0.00001.
gnomAD v4.1: 9 of 1,613,310 alleles (0.00056%); highest among the groups gnomAD compares: Non-Finnish European, 0.00076%; no homozygotes.

Submissions (2):

Labcorp Genetics (formerly Invitae), Labcorp
Classification: Uncertain significance. Last evaluated: 2025-04-17. Review status: criteria provided, single submitter. Criteria: Invitae Variant Classification Sherloc (09022015). Collection method: clinical testing. Allele origin: germline.
Comment: This sequence change replaces isoleucine, which is neutral and non-polar, with methionine, which is neutral and non-polar, at codon 567 of the ARMC9 protein (p.Ile567Met). This variant is present in population databases (no rsID available, gnomAD 0.0009%). This variant has not been reported in the literature in individuals affected with ARMC9-related conditions. ClinVar contains an entry for this variant (Variation ID: 2166905). Experimental studies and prediction algorithms are not available or were not evaluated, and the functional significance of this variant is currently unknown. In summary, the available evidence is currently insufficient to determine the role of this variant in disease. Therefore, it has been classified as a Variant of Uncertain Significance.

Blueprint Genetics
Classification: Uncertain significance. Last evaluated: 2022-01-21. Review status: criteria provided, single submitter. Criteria: ACMG Guidelines, 2015. Collection method: clinical testing. Allele origin: germline.